The following is an entry in ClinVar:

ClinVar aggregate classification (germline): Pathogenic (1 of 4 stars; one submission).

Submission:

Labcorp Genetics (formerly Invitae), Labcorp
Classification: Pathogenic. Last evaluated: 2022-02-02. Review status: criteria provided, single submitter. Criteria: Invitae Variant Classification Sherloc (09022015). Collection method: clinical testing. Allele origin: germline.
Comment: For these reasons, this variant has been classified as Pathogenic. This variant has not been reported in the literature in individuals affected with SLC24A5-related conditions. This variant is not present in population databases (gnomAD no frequency). This sequence change creates a premature translational stop signal (p.Arg174Serfs*5) in the SLC24A5 gene. It is expected to result in an absent or disrupted protein product. Loss-of-function variants in SLC24A5 are known to be pathogenic (PMID: 23985994, 26686029).

Literature cited by the submitters: PubMed 23985994; PubMed 26686029.

NM_205850.3(SLC24A5):c.522_532del (p.Arg174fs)

Genes: MYEF2 (myelin expression factor 2; minus strand), SLC24A5 (solute carrier family 24 member 5; plus strand). Cytogenetic location: 15q21.1.
Variant type: Deletion.
Coding change: c.522_532del on transcript NM_205850.3 (MANE Select); coding-DNA positions 522 to 532, 11 bases deleted (AGACTGTGCAG).
Protein change: p.Arg174fs; shifts the reading frame from arginine 174.
Molecular consequence: frameshift variant. On other transcripts: 3 prime UTR variant (2).
Genome position (GRCh38, 1-based): chr15:48,134,916-48,134,926, AGACTGTGCAG deleted; deleting any 11 consecutive bases within chr15:48,134,913-48,134,926 gives the same sequence; the c. name uses the placement nearest the transcript's 3' end. VCF-style (leftmost placement, unchanged base first): chr15-48134912-TCAGAGACTGTG-T. GRCh37 (hg19) VCF-style: chr15-48427109-TCAGAGACTGTG-T.
Other names: c.*7985_*7995del (NM_001301210.2, NM_016132.5); short protein forms R174fs.
Identifiers: ClinVar variation 1939262 (VCV001939262.5), dbSNP rs2504598048, ClinGen allele CA2580089522.
Genomic context (GRCh38, chr15:48,134,912, plus strand): 5'-TGTAATGGAAATAATAACTTACCATATTACAGGTCTCAACACTATCATGTTGGCCCCTAT[TCAGAGACTGTG>T]CAGCGTACACAATTAGTGCAGCAGCAGTTCTTGGTATAATATATGACAACCAAGTTTACT-3'